The following is an entry in ClinVar:

ClinVar aggregate classification (germline): Conflicting classifications of pathogenicity. Review status: criteria provided, conflicting classifications (1 of 4 stars). 6 submissions from 6 submitters: Uncertain significance (2); Benign (1); Likely benign (3). Last evaluated 2025-12-21.

Conditions:
Developmental and epileptic encephalopathy, 1 (DEE1). Also called: X-linked infantile spasms; West's syndrome; Tonic spasms with clustering, arrest of psychomotor development and hypsarrhythmia on EEG; X-Linked Infantile Spasm Syndrome; OHTAHARA SYNDROME, X-LINKED; Epileptic encephalopathy, early infantile, 1. Identifiers: MedGen C3463992, MONDO:0010632, OMIM 308350. Disease mechanism: loss of function.
Intellectual disability, X-linked, with or without seizures, ARX-related. Also called: INTELLECTUAL DEVELOPMENTAL DISORDER, X-LINKED 29; MENTAL RETARDATION, X-LINKED 29; MENTAL RETARDATION, X-LINKED 32; MENTAL RETARDATION, X-LINKED 33; MENTAL RETARDATION, X-LINKED 38; MENTAL RETARDATION, X-LINKED 43. Identifiers: Orphanet 777, MedGen C0796244, MONDO:0010317, OMIM 300419.
Inborn genetic diseases. Identifiers: MedGen C0950123, MeSH D030342.

Submissions (6):

Labcorp Genetics (formerly Invitae), Labcorp
Classification: Likely benign for Developmental and epileptic encephalopathy, 1; Intellectual disability, X-linked, with or without seizures, ARX-related. Last evaluated: 2025-12-21. Review status: criteria provided, single submitter. Criteria: Invitae Variant Classification Sherloc (09022015). Collection method: clinical testing. Allele origin: germline.

CeGaT Center for Human Genetics Tuebingen
Classification: Likely benign. Last evaluated: 2025-09-01. Review status: criteria provided, single submitter. Criteria: CeGaT Center For Human Genetics Tuebingen Variant Classification Criteria Version 2. Collection method: clinical testing. Allele origin: germline. Affected: yes. Observed: 2 variant alleles.
Comment: ARX: BP3

Blueprint Genetics
Classification: Uncertain significance. Last evaluated: 2024-01-31. Review status: criteria provided, single submitter. Criteria: ACMG Guidelines, 2015. Collection method: clinical testing. Allele origin: germline.

Ambry Genetics
Classification: Likely benign for Inborn genetic diseases. Last evaluated: 2021-12-17. Review status: criteria provided, single submitter. Criteria: Ambry Variant Classification Scheme 2023. Collection method: clinical testing. Allele origin: germline.

Revvity Omics, Revvity
Classification: Uncertain significance. Last evaluated: 2020-03-24. Review status: criteria provided, single submitter. Criteria: ACMG Guidelines, 2015. Collection method: clinical testing. Allele origin: germline.

GeneDx
Classification: Benign. Last evaluated: 2020-01-10. Review status: criteria provided, single submitter. Criteria: GeneDx Variant Classification Process June 2021. Collection method: clinical testing. Allele origin: germline. Affected: yes.

NM_139058.3(ARX):c.306GGC[7] (p.Ala113_Ala115del)

Genes: ARX (aristaless related homeobox; minus strand), LOC109610631 (aristaless related homeobox polyalanine expansion region; plus strand). Cytogenetic location: Xp21.3.
Variant type: Microsatellite.
Coding change: c.306GGC[7] on transcript NM_139058.3 (MANE Select); seven copies in a row of the 3-base unit GGC starting at c.306; the reference has ten copies in a row; three copies, 9 bases deleted; also written c.327_335del.
Protein change: p.Ala113_Ala115del.
Molecular consequence: inframe deletion.
Genome position (GRCh38, 1-based): chrX:25,013,660-25,013,668, GCCGCCGCC deleted on the plus strand (GGCGGCGGC on the coding strand, the reverse complement: ARX is on the minus strand); deleting any 9 consecutive bases within chrX:25,013,660-25,013,691 gives the same sequence; the position shown is the placement nearest the transcript's 3' end. VCF-style (leftmost placement, unchanged base first): chrX-25013659-TGCCGCCGCC-T. GRCh37 (hg19) VCF-style: chrX-25031776-TGCCGCCGCC-T.
Other names: c.327_335del (NM_139058.2, NM_139058.3).
Identifiers: ClinVar variation 473009 (VCV000473009.41), dbSNP rs387906492, ClinGen allele CA641364635.